The following is an entry in ClinVar:

ClinVar aggregate classification (germline): Uncertain significance. Review status: criteria provided, multiple submitters, no conflicts (2 of 4 stars). 3 submissions from 3 submitters: Uncertain significance (3). Last evaluated 2025-11-24.

Conditions:
CEP164-related disorder. Also called: CEP164-related condition.
Nephronophthisis 15 (NPHP15). Identifiers: Orphanet 3156, MedGen C3541853, MONDO:0013917, OMIM 614845.

Allele frequency attached by ClinVar (database versions not stated): ExAC 0.00001; gnomAD exomes 0.00001 and 0.00003; gnomAD 0.00005; TOPMed 0.00005; 1000 Genomes Project 30x 0.00016; 1000 Genomes Project 0.00020.
gnomAD v4.1: 48 of 1,613,956 alleles (0.003%); highest among the groups gnomAD compares: Non-Finnish European, 0.0036%; no homozygotes.

Submissions (3):

PreventionGenetics, part of Exact Sciences
Classification: Uncertain significance for CEP164-related condition. Last evaluated: 2025-11-24. Review status: criteria provided, single submitter. Criteria: ACMG Guidelines, 2015. Collection method: clinical testing. Allele origin: germline.
Comment: The CEP164 c.2977T>G variant is predicted to result in the amino acid substitution p.Ser993Ala. To our knowledge, this variant has not been reported in the literature. This variant is reported in 0.0018% of alleles in individuals of European (Non-Finnish) descent in gnomAD. At this time, the clinical significance of this variant is uncertain due to the absence of conclusive functional and genetic evidence.

Labcorp Genetics (formerly Invitae), Labcorp
Classification: Uncertain significance for Nephronophthisis 15. Last evaluated: 2022-08-29. Review status: criteria provided, single submitter. Criteria: Invitae Variant Classification Sherloc (09022015). Collection method: clinical testing. Allele origin: germline.
Comment: This sequence change replaces serine, which is neutral and polar, with alanine, which is neutral and non-polar, at codon 993 of the CEP164 protein (p.Ser993Ala). This variant is present in population databases (rs200571532, gnomAD 0.002%). This variant has not been reported in the literature in individuals affected with CEP164-related conditions. ClinVar contains an entry for this variant (Variation ID: 965965). Algorithms developed to predict the effect of missense changes on protein structure and function are either unavailable or do not agree on the potential impact of this missense change (SIFT: "Deleterious"; PolyPhen-2: "Possibly Damaging"; Align-GVGD: "Class C0"). In summary, the available evidence is currently insufficient to determine the role of this variant in disease. Therefore, it has been classified as a Variant of Uncertain Significance.

Fulgent Genetics
Classification: Uncertain significance for Nephronophthisis 15. Last evaluated: 2022-05-19. Review status: criteria provided, single submitter. Criteria: ACMG Guidelines, 2015. Collection method: clinical testing. Allele origin: unknown.

NM_014956.5(CEP164):c.2977T>G (p.Ser993Ala)

Gene: CEP164 (centrosomal protein 164; plus strand). Cytogenetic location: 11q23.3.
Variant type: single nucleotide variant.
Coding change: c.2977T>G on transcript NM_014956.5 (MANE Select); coding-DNA position 2977, T replaced by G.
Protein change: p.Ser993Ala; replaces serine 993 with alanine.
Molecular consequence: missense variant.
Genome position (GRCh38, 1-based): chr11:117,395,610, T>G. VCF-style: chr11-117395610-T-G. GRCh37 (hg19) VCF-style: chr11-117266326-T-G.
Other names: c.2986T>G, p.Ser996Ala (NM_001271933.2); short protein forms S996A, S993A.
Identifiers: ClinVar variation 965965 (VCV000965965.7), dbSNP rs200571532, ClinGen allele CA6295294.